The following is an entry in ClinVar:

ClinVar aggregate classification (germline): Conflicting classifications of pathogenicity. Review status: criteria provided, conflicting classifications (1 of 4 stars). 3 submissions from 3 submitters: Uncertain significance (1); Likely benign (2). Last evaluated 2023-10-24.

Conditions:
Cerebral folate transport deficiency. Also called: FOLR1-Related Cerebral Folate Transport Deficiency; Neurodegenerative syndrome due to cerebral folate transport deficiency; FOLATE RECEPTOR DEFICIENCY; NEURODEGENERATION DUE TO CEREBRAL FOLATE TRANSPORT DEFICIENCY; Cerebral folate deficiency syndrome. Identifiers: Orphanet 217382, MedGen C2751584, MONDO:0013110, OMIM 613068. Disease mechanism: loss of function.

Allele frequency attached by ClinVar (database versions not stated): gnomAD 0.00001 and 0.00002; TOPMed 0.00002; gnomAD exomes 0.00005 and 0.00007; ExAC 0.00009.

Submissions (3):

Labcorp Genetics (formerly Invitae), Labcorp
Classification: Likely benign for Cerebral folate transport deficiency. Last evaluated: 2023-10-24. Review status: criteria provided, single submitter. Criteria: Invitae Variant Classification Sherloc (09022015). Collection method: clinical testing. Allele origin: germline.

Illumina Laboratory Services, Illumina
Classification: Uncertain significance for Cerebral folate transport deficiency. Last evaluated: 2018-01-13. Review status: criteria provided, single submitter. Criteria: ICSL Variant Classification Criteria 13 December 2019. Collection method: clinical testing. Allele origin: germline.

GeneDx
Classification: Likely benign. Last evaluated: 2017-09-19. Review status: criteria provided, single submitter. Criteria: GeneDx Variant Classification (06012015). Collection method: clinical testing. Allele origin: germline. Affected: yes.
Comment: This variant is considered likely benign or benign based on one or more of the following criteria: it is a conservative change, it occurs at a poorly conserved position in the protein, it is predicted to be benign by multiple in silico algorithms, and/or has population frequency not consistent with disease.

NM_016729.3(FOLR1):c.57A>G (p.Val19=)

Genes: FOLR1-AS1 (FOLR1 antisense RNA 1; minus strand), FOLR1 (folate receptor alpha; plus strand). Cytogenetic location: 11q13.4.
Variant type: single nucleotide variant.
Coding change: c.57A>G on transcript NM_016729.3 (MANE Select); coding-DNA position 57, A replaced by G.
Protein change: p.Val19=; no amino-acid change (valine 19 retained).
Molecular consequence: synonymous variant.
Genome position (GRCh38, 1-based): chr11:72,192,230, A>G. VCF-style: chr11-72192230-A-G. GRCh37 (hg19) VCF-style: chr11-71903274-A-G.
Other names: c.57A>G, p.Val19= (NM_000802.3, NM_016724.3, NM_016725.3).
Identifiers: ClinVar variation 377890 (VCV000377890.14), dbSNP rs769589754, ClinGen allele CA6169104.